The following is an entry in ClinVar:

ClinVar aggregate classification (germline): Uncertain significance (1 of 4 stars; one submission).

Conditions:
Familial cancer of breast. Also called: Hereditary breast cancer; hereditary breast carcinoma; BREAST CANCER, FAMILIAL. Identifiers: Orphanet 227535, MedGen C0346153, MONDO:0016419, OMIM 114480. Disease mechanism: loss of function.

Allele frequency attached by ClinVar (database versions not stated): gnomAD exomes below 0.00001; TOPMed below 0.00001; ExAC 0.00001.
gnomAD v4.1: 4 of 1,614,078 alleles (0.00025%); highest among the groups gnomAD compares: East Asian, 0.0022%; no homozygotes.

Submission:

Labcorp Genetics (formerly Invitae), Labcorp
Classification: Uncertain significance for Familial cancer of breast. Last evaluated: 2025-05-12. Review status: criteria provided, single submitter. Criteria: Invitae Variant Classification Sherloc (09022015). Collection method: clinical testing. Allele origin: germline.
Comment: This sequence change replaces threonine, which is neutral and polar, with alanine, which is neutral and non-polar, at codon 361 of the PALB2 protein (p.Thr361Ala). This variant is not present in population databases (gnomAD no frequency). This variant has not been reported in the literature in individuals affected with PALB2-related conditions. ClinVar contains an entry for this variant (Variation ID: 659477). Invitae Evidence Modeling of protein sequence and biophysical properties (such as structural, functional, and spatial information, amino acid conservation, physicochemical variation, residue mobility, and thermodynamic stability) indicates that this missense variant is not expected to disrupt PALB2 protein function with a negative predictive value of 80%. In summary, the available evidence is currently insufficient to determine the role of this variant in disease. Therefore, it has been classified as a Variant of Uncertain Significance.

NM_024675.4(PALB2):c.1081A>G (p.Thr361Ala)

Gene: PALB2 (partner and localizer of BRCA2; minus strand). Cytogenetic location: 16p12.2.
Variant type: single nucleotide variant.
Coding change: c.1081A>G on transcript NM_024675.4 (MANE Select); coding-DNA position 1081, A replaced by G.
Protein change: p.Thr361Ala; replaces threonine 361 with alanine.
Molecular consequence: missense variant.
Genome position (GRCh38, 1-based): chr16:23,635,465, T>C on the plus strand (A>G on the coding strand, the complement: PALB2 is on the minus strand). VCF-style: chr16-23635465-T-C. GRCh37 (hg19) VCF-style: chr16-23646786-T-C.
Other names: short protein forms T361A.
Identifiers: ClinVar variation 659477 (VCV000659477.9), dbSNP rs111981798, ClinGen allele CA7963734.